The following is an entry in ClinVar:

NM_001317778.2(SFTPC):c.95A>G (p.His32Arg)

Gene: SFTPC (surfactant protein C; plus strand). Cytogenetic location: 8p21.3.
Variant type: single nucleotide variant.
Coding change: c.95A>G on transcript NM_001317778.2 (MANE Select); coding-DNA position 95, A replaced by G.
Protein change: p.His32Arg; replaces histidine 32 with arginine.
Molecular consequence: missense variant. On other transcripts: intron variant (2).
Genome position (GRCh38, 1-based): chr8:22,162,626, A>G. VCF-style: chr8-22162626-A-G. GRCh37 (hg19) VCF-style: chr8-22020139-A-G.
Other names: c.95A>G, p.His32Arg (NM_001172357.2, NM_001172410.2, NM_001317780.2 and 8 more transcripts); c.43-454A>G (NM_001385660.1, NM_001317779.2); short protein forms H32R.
Identifiers: ClinVar variation 3678900 (VCV003678900.2).
Genomic context (GRCh38, chr8:22,162,626, plus strand): 5'-CGTGTCAGGACTACTCCGCAGCTCCCCGGGGCCGATTTGGCATTCCCTGCTGCCCAGTGC[A>G]CCTGAAACGCCTTCTTATCGTGGTGGTGGTGGTGGTCCTCATCGTCGTGGTGATTGTGGG-3'
Protein context (NP_001304707.1, residues 22-42): GRFGIPCCPV[His32Arg]LKRLLIVVVV

ClinVar aggregate classification (germline): Uncertain significance (1 of 4 stars; one submission).

Submission:

Labcorp Genetics (formerly Invitae), Labcorp
Classification: Uncertain significance. Last evaluated: 2024-12-26. Review status: criteria provided, single submitter. Criteria: Invitae Variant Classification Sherloc (09022015). Collection method: clinical testing. Allele origin: germline.
Comment: This sequence change replaces histidine, which is basic and polar, with arginine, which is basic and polar, at codon 32 of the SFTPC protein (p.His32Arg). This variant is not present in population databases (gnomAD no frequency). This variant has not been reported in the literature in individuals affected with SFTPC-related conditions. An algorithm developed to predict the effect of missense changes on protein structure and function (PolyPhen-2) suggests that this variant is likely to be tolerated. In summary, the available evidence is currently insufficient to determine the role of this variant in disease. Therefore, it has been classified as a Variant of Uncertain Significance.